The following is an entry in ClinVar:

ClinVar aggregate classification (germline): Likely pathogenic (1 of 4 stars; one submission).

Conditions:
ACAN-related disorder. Also called: ACAN-related disorders; ACAN-related condition.

Submission:

PreventionGenetics, part of Exact Sciences
Classification: Likely pathogenic for ACAN-related condition. Last evaluated: 2025-03-05. Review status: criteria provided, single submitter. Criteria: ACMG Guidelines, 2015. Collection method: clinical testing. Allele origin: germline.
Comment: The ACAN c.903dupG variant is predicted to result in a frameshift and premature protein termination (p.Leu302Alafs*51). To our knowledge, this variant has not been reported in the literature or in a large population database (gnomAD), indicating this variant is rare. Frameshift variants in ACAN are expected to be pathogenic. This variant is interpreted as likely pathogenic.

NM_001369268.1(ACAN):c.903dup (p.Leu302fs)

Gene: ACAN (aggrecan; plus strand). Cytogenetic location: 15q26.1.
Variant type: Duplication.
Coding change: c.903dup on transcript NM_001369268.1 (MANE Select); coding-DNA position 903, one base duplicated (G; older notation c.903dupG).
Protein change: p.Leu302fs; shifts the reading frame from leucine 302.
Molecular consequence: frameshift variant.
Genome position (GRCh38, 1-based): chr15:88,843,500, G duplicated; the last of 2 consecutive G bases (chr15:88,843,499-88,843,500); duplicating either gives the same sequence. VCF-style (leftmost placement, unchanged base first): chr15-88843498-T-TG. GRCh37 (hg19) VCF-style: chr15-89386729-T-TG.
Other names: c.903dup, p.Leu302fs (NM_001135.4, NM_001411096.1, NM_001411097.1 and 1 more transcripts); short protein forms L302fs.
Identifiers: ClinVar variation 5002631 (VCV005002631.1).
Genomic context (GRCh38, chr15:88,843,498, plus strand): 5'-GCCACCACGGGCCAGCTCTACCTGGCCTGGCAGGCTGGCATGGACATGTGCAGCGCCGGC[T>TG]GGCTGGCCGACCGCAGCGTGCGCTACCCCATCTCCAAGGCCCGGCCCAACTGCGGTGGCA-3'